The following is an entry in ClinVar:

ClinVar aggregate classification (germline): Uncertain significance. Review status: criteria provided, multiple submitters, no conflicts (2 of 4 stars). 3 submissions from 3 submitters: Uncertain significance (3). Last evaluated 2022-02-19.

Conditions:
Catecholaminergic polymorphic ventricular tachycardia 1. Also called: RYR2-Related Catecholaminergic Polymorphic Ventricular Tachycardia; VENTRICULAR TACHYCARDIA, CATECHOLAMINERGIC POLYMORPHIC, 1, WITH OR WITHOUT ATRIAL DYSFUNCTION AND/OR DILATED CARDIOMYOPATHY; VENTRICULAR TACHYCARDIA, STRESS-INDUCED POLYMORPHIC 1. Identifiers: Orphanet 3286, MedGen C1631597, MONDO:0011484, OMIM 604772.
Catecholaminergic polymorphic ventricular tachycardia 5 (CARDAR). Also called: Ventricular tachycardia, catecholaminergic polymorphic, 5, with or without muscle weakness; CARDIAC ARRHYTHMIA SYNDROME, WITH OR WITHOUT SKELETAL MUSCLE WEAKNESS. Identifiers: Orphanet 3286, MedGen C3809536, MONDO:0014191, OMIM 615441.
Cardiovascular phenotype. Identifiers: MedGen CN230736.

Submissions (3):

Labcorp Genetics (formerly Invitae), Labcorp
Classification: Uncertain significance for Catecholaminergic polymorphic ventricular tachycardia 1. Last evaluated: 2022-02-19. Review status: criteria provided, single submitter. Criteria: Invitae Variant Classification Sherloc (09022015). Collection method: clinical testing. Allele origin: germline.
Comment: This variant has not been reported in the literature in individuals affected with TRDN-related conditions. ClinVar contains an entry for this variant (Variation ID: 1025853). Experimental studies and prediction algorithms are not available or were not evaluated, and the functional significance of this variant is currently unknown. In summary, the available evidence is currently insufficient to determine the role of this variant in disease. Therefore, it has been classified as a Variant of Uncertain Significance. The frequency data for this variant in the population databases is considered unreliable, as metrics indicate poor data quality at this position in the gnomAD database. This variant, c.1300_1308del, results in the deletion of 3 amino acid(s) of the TRDN protein (p.Gly434_Val436del), but otherwise preserves the integrity of the reading frame.

Fulgent Genetics
Classification: Uncertain significance for Catecholaminergic polymorphic ventricular tachycardia 1; Catecholaminergic polymorphic ventricular tachycardia 5. Last evaluated: 2021-11-08. Review status: criteria provided, single submitter. Criteria: ACMG Guidelines, 2015. Collection method: clinical testing. Allele origin: unknown.

Ambry Genetics
Classification: Uncertain significance for Cardiovascular phenotype. Last evaluated: 2020-06-01. Review status: criteria provided, single submitter. Criteria: Ambry Variant Classification Scheme 2023. Collection method: clinical testing. Allele origin: germline.
Comment: The c.1300_1308delGGTGCGGTT variant (also known as p.G434_V436del) is located in coding exon 20 of the TRDN gene. This variant results from an in-frame GGTGCGGTT deletion at nucleotide positions 1300 to 1308. This results in the in-frame deletion of three amino acids at codon 434. This amino acid region is not well conserved in available vertebrate species. In addition, this alteration is predicted to be neutral by in silico analysis (Choi Y et al. PLoS ONE. 2012; 7(10):e46688). Since supporting evidence is limited at this time, the clinical significance of this alteration remains unclear.

NM_006073.4(TRDN):c.1300_1308del (p.Gly434_Val436del)

Gene: TRDN (triadin; minus strand). Cytogenetic location: 6q22.31.
Variant type: Deletion.
Coding change: c.1300_1308del on transcript NM_006073.4 (MANE Select); coding-DNA positions 1300 to 1308, 9 bases deleted (GGTGCGGTT; older notation c.1300_1308delGGTGCGGTT).
Protein change: p.Gly434_Val436del.
Molecular consequence: inframe deletion.
Genome position (GRCh38, 1-based): chr6:123,366,148-123,366,156, AACCGCACC deleted on the plus strand (GGTGCGGTT on the coding strand, the reverse complement: TRDN is on the minus strand); deleting any 9 consecutive bases within chr6:123,366,148-123,366,158 gives the same sequence; the c. name uses the placement nearest the transcript's 3' end. VCF-style (leftmost placement, unchanged base first): chr6-123366147-AAACCGCACC-A. GRCh37 (hg19) VCF-style: chr6-123687292-AAACCGCACC-A.
Other names: c.1303_1311del, p.Gly435_Val437del (NM_001251987.2).
Identifiers: ClinVar variation 1025853 (VCV001025853.11), dbSNP rs765757457, ClinGen allele CA3984011.